The following is an entry in ClinVar:

ClinVar aggregate classification (germline): Uncertain significance. Review status: criteria provided, multiple submitters, no conflicts (2 of 4 stars). 7 submissions from 6 submitters: Uncertain significance (4). 3 of the submissions do not count toward it. Last evaluated 2023-11-04.

Conditions:
Retinal dystrophy. Also called: Inherited retinal dystrophy. Identifiers: Orphanet 71862, MedGen C0854723, MeSH D058499, MONDO:0019118, HP:0000556.
Retinitis pigmentosa 39 (RP39). Identifiers: Orphanet 791, MedGen C3151138, MONDO:0013436, OMIM 613809.
Usher syndrome type 2A. Also called: RETINAL DISEASE IN USHER SYNDROME TYPE IIA, MODIFIER OF; USHER SYNDROME, TYPE IIA. Identifiers: Orphanet 231178, Orphanet 886, MedGen C1848634, MONDO:0010169, OMIM 276901.

Allele frequency attached by ClinVar (database versions not stated): gnomAD 0.00001; gnomAD exomes 0.00001; ExAC 0.00002.
gnomAD v4.1: 10 of 1,614,018 alleles (0.00062%); highest among the groups gnomAD compares: Admixed American, 0.0033%; no homozygotes.

Submissions (7):

Genome-Nilou Lab
Classification: Uncertain significance for Retinitis pigmentosa 39. Last evaluated: 2023-11-04. Review status: criteria provided, single submitter. Criteria: ACMG Guidelines, 2015. Collection method: clinical testing. Allele origin: germline. Affected: no.

Genome-Nilou Lab
Classification: Uncertain significance for Usher syndrome type 2A. Last evaluated: 2023-11-04. Review status: criteria provided, single submitter. Criteria: ACMG Guidelines, 2015. Collection method: clinical testing. Allele origin: germline. Affected: no.

Labcorp Genetics (formerly Invitae), Labcorp
Classification: Uncertain significance. Last evaluated: 2022-05-25. Review status: criteria provided, single submitter. Criteria: Invitae Variant Classification Sherloc (09022015). Collection method: clinical testing. Allele origin: germline.
Comment: This sequence change replaces glycine, which is neutral and non-polar, with glutamic acid, which is acidic and polar, at codon 2707 of the USH2A protein (p.Gly2707Glu). This variant is present in population databases (rs397518034, gnomAD 0.003%). This variant has not been reported in the literature in individuals affected with USH2A-related conditions. ClinVar contains an entry for this variant (Variation ID: 48593). Algorithms developed to predict the effect of missense changes on protein structure and function (SIFT, PolyPhen-2, Align-GVGD) all suggest that this variant is likely to be disruptive. In summary, the available evidence is currently insufficient to determine the role of this variant in disease. Therefore, it has been classified as a Variant of Uncertain Significance.

Laboratory for Molecular Medicine, Mass General Brigham Personalized Medicine
Classification: Uncertain significance. Last evaluated: 2010-09-02. Review status: criteria provided, single submitter. Criteria: LMM Criteria. Collection method: clinical testing. Allele origin: germline. Observed: 1 variant allele.
Comment: Variant classified as Uncertain Significance - Favor Benign. The Gly2707Glu vari ant in USH2A has not been reported in the literature. The Gly270 residue is conserved across spec ies and computational analyses (PolyPhen, SIFT, AlignGVGD) suggest that the Gly2 707Glu variant may impact the protein. However, this information is not predicti ve enough to assume pathogenicity. In summary, the clinical significance of this variant cannot be determined with certainty at this time.

Institute of Human Genetics, Univ. Regensburg, Univ. Regensburg
Classification: Uncertain significance for Retinal dystrophy. Last evaluated: 2022-01-01. Review status: no assertion criteria provided. Criteria: ACMG Guidelines, 2015. Collection method: clinical testing. Allele origin: germline. Affected: yes. Not counted in ClinVar's aggregate classification.

Natera, Inc.
Classification: Uncertain significance for Usher syndrome type 2A. Last evaluated: 2020-09-16. Review status: no assertion criteria provided. Collection method: clinical testing. Allele origin: germline. Not counted in ClinVar's aggregate classification.

Counsyl
Classification: Uncertain significance for Usher syndrome type 2A; Retinitis pigmentosa 39. Last evaluated: 2017-04-04. Review status: no assertion criteria provided. Collection method: clinical testing. Allele origin: unknown. Not counted in ClinVar's aggregate classification.

NM_206933.4(USH2A):c.8120G>A (p.Gly2707Glu)

Gene: USH2A (usherin; minus strand). Cytogenetic location: 1q41.
Variant type: single nucleotide variant.
Coding change: c.8120G>A on transcript NM_206933.4 (MANE Select); coding-DNA position 8120, G replaced by A.
Protein change: p.Gly2707Glu; replaces glycine 2707 with glutamic acid.
Molecular consequence: missense variant.
Genome position (GRCh38, 1-based): chr1:215,888,529, C>T on the plus strand (G>A on the coding strand, the complement: USH2A is on the minus strand). VCF-style: chr1-215888529-C-T. GRCh37 (hg19) VCF-style: chr1-216061871-C-T.
Other names: short protein forms G2707E.
Identifiers: ClinVar variation 48593 (VCV000048593.10), dbSNP rs397518034, ClinGen allele CA143615.